The following is an entry in ClinVar:

NM_022455.5(NSD1):c.3659_3660del (p.Glu1220fs)

Gene: NSD1 (nuclear receptor binding SET domain protein 1; plus strand). Cytogenetic location: 5q35.3.
Variant type: Microsatellite.
Coding change: c.3659_3660del on transcript NM_022455.5 (MANE Select); coding-DNA positions 3659 to 3660, 2 bases deleted (AG; older notation c.3659_3660delAG).
Protein change: p.Glu1220fs; shifts the reading frame from glutamic acid 1220.
Molecular consequence: frameshift variant.
Genome position (GRCh38, 1-based): chr5:177,212,058-177,212,059, AG deleted; deleting any 2 consecutive bases within chr5:177,212,056-177,212,059 gives the same sequence; the c. name uses the placement nearest the transcript's 3' end. VCF-style (leftmost placement, unchanged base first): chr5-177212055-CAG-C. GRCh37 (hg19) VCF-style: chr5-176639056-CAG-C.
Other names: c.3659_3660delAG (NM_022455.4); c.2784_2785AG[1], p.Glu929Alafs (NM_001365684.2, NM_001409306.1, NM_001409307.1 and 3 more transcripts); c.3657_3658AG[1], p.Glu1220Alafs (NM_001409301.1, NM_001409302.1, NM_001409303.1); c.3237_3238AG[1], p.Glu1080Alafs (NM_001409304.1); c.2904_2905AG[1], p.Glu969Alafs (NM_001409305.1); short protein forms E951fs, E1220fs.
Identifiers: ClinVar variation 159312 (VCV000159312.14), dbSNP rs587784104, ClinGen allele CA294853.

ClinVar aggregate classification (germline): Pathogenic. Review status: criteria provided, multiple submitters, no conflicts (2 of 4 stars). 5 submissions from 4 submitters: Pathogenic (5). Last evaluated 2024-06-09.

Conditions:
Sotos syndrome (SOTOS). Also called: Distinctive facial appearance, overgrowth in childhood, and learning disabilities or delayed development; CEREBRAL GIGANTISM; Sotos' syndrome; CHROMOSOME 5q35 DELETION SYNDROME; SOTOS SYNDROME 1. Identifiers: Orphanet 821, MedGen C0175695, MONDO:0019349, OMIM 117550.
Beckwith-Wiedemann syndrome (BWS). Also called: Exomphalos macroglossia gigantism syndrome; EMG SYNDROME. Identifiers: Orphanet 116, MedGen C0004903, MONDO:0007534, OMIM 130650.

Submissions (5):

GeneDx
Classification: Pathogenic. Last evaluated: 2024-06-09. Review status: criteria provided, single submitter. Criteria: GeneDx Variant Classification Process June 2021. Collection method: clinical testing. Allele origin: germline. Affected: yes.
Comment: Frameshift variant predicted to result in protein truncation or nonsense mediated decay in a gene for which loss of function is a known mechanism of disease; Not observed at significant frequency in large population cohorts (gnomAD); Has not been previously published as pathogenic or benign to our knowledge

Genome-Nilou Lab
Classification: Pathogenic for Sotos syndrome. Last evaluated: 2021-07-15. Review status: criteria provided, single submitter. Criteria: ACMG Guidelines, 2015. Collection method: clinical testing. Allele origin: germline. Affected: no.

Labcorp Genetics (formerly Invitae), Labcorp
Classification: Pathogenic for Beckwith-Wiedemann syndrome. Last evaluated: 2016-12-25. Review status: criteria provided, single submitter. Criteria: Invitae Variant Classification Sherloc (09022015). Collection method: clinical testing. Allele origin: germline.
Comment: This sequence change deletes 2 nucleotides from exon 5 of the NSD1 mRNA (c.3659_3660delAG), causing a frameshift at codon 1220. This creates a premature translational stop signal (p.Glu1220Alafs*5) and is expected to result in an absent or disrupted protein product. While this particular variant has not been reported in the literature, truncating variants in NSD1 are known to be pathogenic (PMID: 12807965, 15942875, 17565729). For these reasons, this variant has been classified as Pathogenic.

Labcorp Genetics (formerly Invitae), Labcorp
Classification: Pathogenic. Last evaluated: 2016-12-25. Review status: criteria provided, single submitter. Criteria: Invitae Variant Classification Sherloc (09022015). Collection method: clinical testing. Allele origin: germline.
Comment: the same text as in the submission from Labcorp Genetics (formerly Invitae), Labcorp above.

Genetic Services Laboratory, University of Chicago
Classification: Pathogenic for Sotos syndrome 1. Last evaluated: 2013-02-08. Review status: criteria provided, single submitter. Criteria: ACMG Guidelines, 2007. Collection method: clinical testing. Allele origin: germline. Inheritance: Autosomal dominant inheritance. Affected: yes.

Literature cited by the submitters: PubMed 12807965 (cited by Labcorp Genetics (formerly Invitae), Labcorp); PubMed 15942875 (cited by Labcorp Genetics (formerly Invitae), Labcorp); PubMed 17565729 (cited by Labcorp Genetics (formerly Invitae), Labcorp).